The following is an entry in ClinVar:

ClinVar aggregate classification (germline): Uncertain significance (1 of 4 stars; one submission).

Conditions:
Chédiak-Higashi syndrome (CHS). Also called: Chediak-Higashi Syndrome. Identifiers: Orphanet 167, MedGen C0007965, MONDO:0008963, OMIM 214500.

Submission:

Labcorp Genetics (formerly Invitae), Labcorp
Classification: Uncertain significance for Chédiak-Higashi syndrome. Last evaluated: 2025-09-03. Review status: criteria provided, single submitter. Criteria: Invitae Variant Classification Sherloc (09022015). Collection method: clinical testing. Allele origin: germline.
Comment: This sequence change replaces glycine, which is neutral and non-polar, with valine, which is neutral and non-polar, at codon 828 of the LYST protein (p.Gly828Val). This variant is not present in population databases (gnomAD no frequency). This variant has not been reported in the literature in individuals affected with LYST-related conditions. Invitae Evidence Modeling of protein sequence and biophysical properties (such as structural, functional, and spatial information, amino acid conservation, physicochemical variation, residue mobility, and thermodynamic stability) indicates that this missense variant is not expected to disrupt LYST protein function with a negative predictive value of 80%. In summary, the available evidence is currently insufficient to determine the role of this variant in disease. Therefore, it has been classified as a Variant of Uncertain Significance.

NM_000081.4(LYST):c.2483G>T (p.Gly828Val)

Gene: LYST (lysosomal trafficking regulator; minus strand). Cytogenetic location: 1q42.3.
Variant type: single nucleotide variant.
Coding change: c.2483G>T on transcript NM_000081.4 (MANE Select); coding-DNA position 2483, G replaced by T.
Protein change: p.Gly828Val; replaces glycine 828 with valine.
Molecular consequence: missense variant.
Genome position (GRCh38, 1-based): chr1:235,806,653, C>A on the plus strand (G>T on the coding strand, the complement: LYST is on the minus strand). VCF-style: chr1-235806653-C-A. GRCh37 (hg19) VCF-style: chr1-235969953-C-A.
Other names: c.2483G>T, p.Gly828Val (NM_001301365.1); short protein forms G828V.
Identifiers: ClinVar variation 4749343 (VCV004749343.1).